The following is an entry in ClinVar:

ClinVar aggregate classification (germline): Uncertain significance. Review status: criteria provided, multiple submitters, no conflicts (2 of 4 stars). 2 submissions from 2 submitters: Uncertain significance (2). Last evaluated 2024-01-30.

Conditions:
Inborn genetic diseases. Identifiers: MedGen C0950123, MeSH D030342.

Allele frequency attached by ClinVar (database versions not stated): gnomAD 0.00001; gnomAD exomes 0.00001 and 0.00002; TOPMed 0.00002.
gnomAD v4.1: 19 of 1,609,100 alleles (0.0012%); highest among the groups gnomAD compares: Admixed American, 0.0017%; no homozygotes.

Submissions (2):

Ambry Genetics
Classification: Uncertain significance for Inborn genetic diseases. Last evaluated: 2024-01-30. Review status: criteria provided, single submitter. Criteria: Ambry Variant Classification Scheme 2023. Collection method: clinical testing. Allele origin: germline.

Labcorp Genetics (formerly Invitae), Labcorp
Classification: Uncertain significance. Last evaluated: 2023-08-04. Review status: criteria provided, single submitter. Criteria: Invitae Variant Classification Sherloc (09022015). Collection method: clinical testing. Allele origin: germline.
Comment: ClinVar contains an entry for this variant (Variation ID: 958427). This sequence change replaces valine, which is neutral and non-polar, with phenylalanine, which is neutral and non-polar, at codon 459 of the COL9A1 protein (p.Val459Phe). This variant is present in population databases (no rsID available, gnomAD 0.003%). This variant has not been reported in the literature in individuals affected with COL9A1-related conditions. Advanced modeling of protein sequence and biophysical properties (such as structural, functional, and spatial information, amino acid conservation, physicochemical variation, residue mobility, and thermodynamic stability) performed at Invitae indicates that this missense variant is not expected to disrupt COL9A1 protein function. In summary, the available evidence is currently insufficient to determine the role of this variant in disease. Therefore, it has been classified as a Variant of Uncertain Significance.

NM_001851.6(COL9A1):c.1375G>T (p.Val459Phe)

Gene: COL9A1 (collagen type IX alpha 1 chain; minus strand). Cytogenetic location: 6q13.
Variant type: single nucleotide variant.
Coding change: c.1375G>T on transcript NM_001851.6 (MANE Select); coding-DNA position 1375, G replaced by T.
Protein change: p.Val459Phe; replaces valine 459 with phenylalanine.
Molecular consequence: missense variant. On other transcripts: non-coding transcript variant (1).
Genome position (GRCh38, 1-based): chr6:70,263,264, C>A on the plus strand (G>T on the coding strand, the complement: COL9A1 is on the minus strand). VCF-style: chr6-70263264-C-A. GRCh37 (hg19) VCF-style: chr6-70972967-C-A.
Other names: c.646G>T, p.Val216Phe (NM_001377289.1, NM_001377290.1, NM_078485.4); short protein forms V459F, V216F.
Identifiers: ClinVar variation 958427 (VCV000958427.8), dbSNP rs1302661247, ClinGen allele CA364679584.